The following is an entry in ClinVar:

ClinVar aggregate classification (germline): Uncertain significance. Review status: criteria provided, multiple submitters, no conflicts (2 of 4 stars). 2 submissions from 2 submitters: Uncertain significance (2). Last evaluated 2025-06-12.

Conditions:
Inborn genetic diseases. Identifiers: MedGen C0950123, MeSH D030342.

gnomAD v4.1: 15 of 1,613,842 alleles (0.00093%); highest among the groups gnomAD compares: African/African-American, 0.015%; no homozygotes.

Submissions (2):

Labcorp Genetics (formerly Invitae), Labcorp
Classification: Uncertain significance. Last evaluated: 2025-06-12. Review status: criteria provided, single submitter. Criteria: Invitae Variant Classification Sherloc (09022015). Collection method: clinical testing. Allele origin: germline.
Comment: This sequence change replaces tyrosine, which is neutral and polar, with cysteine, which is neutral and slightly polar, at codon 16 of the ROBO2 protein (p.Tyr16Cys). This variant is present in population databases (rs779002469, gnomAD 0.007%). This variant has not been reported in the literature in individuals affected with ROBO2-related conditions. ClinVar contains an entry for this variant (Variation ID: 3623811). Invitae Evidence Modeling of protein sequence and biophysical properties (such as structural, functional, and spatial information, amino acid conservation, physicochemical variation, residue mobility, and thermodynamic stability) indicates that this missense variant is not expected to disrupt ROBO2 protein function with a negative predictive value of 95%. In summary, the available evidence is currently insufficient to determine the role of this variant in disease. Therefore, it has been classified as a Variant of Uncertain Significance.

Ambry Genetics
Classification: Uncertain significance for Inborn genetic diseases. Last evaluated: 2025-03-22. Review status: criteria provided, single submitter. Criteria: Ambry Variant Classification Scheme 2023. Collection method: clinical testing. Allele origin: germline.

NM_001395656.1(ROBO2):c.47A>G (p.Tyr16Cys)

Gene: ROBO2 (roundabout guidance receptor 2; plus strand). Cytogenetic location: 3p12.3.
Variant type: single nucleotide variant.
Coding change: c.47A>G on transcript NM_001395656.1 (MANE Select); coding-DNA position 47, A replaced by G.
Protein change: p.Tyr16Cys; replaces tyrosine 16 with cysteine.
Molecular consequence: missense variant. On other transcripts: 5 prime UTR variant (1), intron variant (16).
Genome position (GRCh38, 1-based): chr3:77,040,832, A>G. VCF-style: chr3-77040832-A-G. GRCh37 (hg19) VCF-style: chr3-77089983-A-G.
Other names: c.47A>G (NM_002942.4); c.47A>G, p.Tyr16Cys (NM_001290039.2, NM_001290040.2, NM_001378193.1 and 3 more transcripts); c.-1872A>G (NM_001290065.2); c.110-57182A>G (NM_001378191.1, NM_001378195.1, NM_001378196.1 and 5 more transcripts); c.131-57182A>G (NM_001394213.1, NM_001378192.1, NM_001378198.1 and 5 more transcripts); short protein forms Y16C.
Identifiers: ClinVar variation 3623811 (VCV003623811.3).
Genomic context (GRCh38, chr3:77,040,832, plus strand): 5'-TTTAATATGTCAAAATGAGTCTGCTGATGTTTACACAACTACTGCTCTGTGGATTTTTAT[A>G]TGTTCGGGTTGATGGTAAGTTAAAAATGCTTTCATCTTTTTTTGCGCCCCCCACCCCCCA-3'
Protein context (NP_001382585.1, residues 6-26): FTQLLLCGFL[Tyr16Cys]VRVDGSRLRQ